The following is an entry in ClinVar:

NM_001994.3(F13B):c.1089A>C (p.Ala363=)

Gene: F13B (coagulation factor XIII B chain; minus strand). Cytogenetic location: 1q31.3.
Variant type: single nucleotide variant.
Coding change: c.1089A>C on transcript NM_001994.3 (MANE Select); coding-DNA position 1089, A replaced by C.
Protein change: p.Ala363=; no amino-acid change (alanine 363 retained).
Molecular consequence: synonymous variant.
Genome position (GRCh38, 1-based): chr1:197,057,095, T>G on the plus strand (A>C on the coding strand, the complement: F13B is on the minus strand). VCF-style: chr1-197057095-T-G. GRCh37 (hg19) VCF-style: chr1-197026225-T-G.
Identifiers: ClinVar variation 294579 (VCV000294579.8), dbSNP rs117019969, ClinGen allele CA1308414.
Genomic context (GRCh38, chr1:197,057,095, plus strand): 5'-CCATTTTCCACGATTACAAGTTATCTCATTCGATCCATGGAGAAGGTAGCCGCTTTTACA[T>G]GCATATGTCACTTTATCCCCATTGTAATAAATCTTAGAGTGTAAATTTGCTGCACCATTT-3'
Protein context (NP_001985.2, residues 353-373): IYYNGDKVTY[Ala363=]CKSGYLLHGS

ClinVar aggregate classification (germline): Uncertain significance. Review status: criteria provided, multiple submitters, no conflicts (2 of 4 stars). 3 submissions from 3 submitters: Uncertain significance (2). 1 of the submissions does not count toward it. Last evaluated 2018-01-13.

Conditions:
F13B-related disorder. Also called: F13B-related condition.
Factor XIII, b subunit, deficiency of. Also called: Factor XIII subunit B deficiency. Identifiers: Orphanet 331, MedGen C2750481, MONDO:0013190, OMIM 613235, HP:0040234.

Allele frequency attached by ClinVar (database versions not stated): gnomAD 0.00047 and 0.00076; gnomAD exomes 0.00055 and 0.00142; TOPMed 0.00067; ExAC 0.00126; 1000 Genomes Project 30x 0.00312; 1000 Genomes Project 0.00379.
gnomAD v4.1: 916 of 1,613,876 alleles (0.057%); highest among the groups gnomAD compares: East Asian, 1.8%; 8 homozygotes.

Submissions (3):

Illumina Laboratory Services, Illumina
Classification: Uncertain significance for Factor XIII, b subunit, deficiency of. Last evaluated: 2018-01-13. Review status: criteria provided, single submitter. Criteria: ICSL Variant Classification Criteria 13 December 2019. Collection method: clinical testing. Allele origin: germline.

Breakthrough Genomics
Classification: Uncertain significance. Review status: criteria provided, single submitter. Criteria: ACMG Guidelines, 2015. Collection method: not provided. Allele origin: germline. Inheritance: Autosomal recessive inheritance. Affected: yes.

PreventionGenetics, part of Exact Sciences
Classification: Benign for F13B-related condition. Last evaluated: 2019-08-19. Review status: no assertion criteria provided. Collection method: clinical testing. Allele origin: germline. Not counted in ClinVar's aggregate classification.
Comment: This variant is classified as benign based on ACMG/AMP sequence variant interpretation guidelines (Richards et al. 2015 PMID: 25741868, with internal and published modifications).